The following is an entry in ClinVar:

ClinVar aggregate classification (germline): Uncertain significance (1 of 4 stars; one submission).

Submission:

GeneDx
Classification: Uncertain significance. Last evaluated: 2024-07-22. Review status: criteria provided, single submitter. Criteria: GeneDx Variant Classification Process June 2021. Collection method: clinical testing. Allele origin: germline. Affected: yes.
Comment: Not observed at significant frequency in large population cohorts (gnomAD); In silico analysis indicates that this missense variant does not alter protein structure/function; Has not been previously published as pathogenic or benign to our knowledge

NM_001189.4(NKX3-2):c.376G>A (p.Gly126Ser)

Gene: NKX3-2 (NK3 homeobox 2; minus strand). Cytogenetic location: 4p15.33.
Variant type: single nucleotide variant.
Coding change: c.376G>A on transcript NM_001189.4 (MANE Select); coding-DNA position 376, G replaced by A.
Protein change: p.Gly126Ser; replaces glycine 126 with serine.
Molecular consequence: missense variant.
Genome position (GRCh38, 1-based): chr4:13,544,039, C>T on the plus strand (G>A on the coding strand, the complement: NKX3-2 is on the minus strand). VCF-style: chr4-13544039-C-T. GRCh37 (hg19) VCF-style: chr4-13545663-C-T.
Other names: short protein forms G126S.
Identifiers: ClinVar variation 3600786 (VCV003600786.1).